The following is an entry in ClinVar:

NM_001318852.2(MAPK8IP3):c.1380G>A (p.Arg460=)

Gene: MAPK8IP3 (mitogen-activated protein kinase 8 interacting protein 3; plus strand). Cytogenetic location: 16p13.3.
Variant type: single nucleotide variant.
Coding change: c.1380G>A on transcript NM_001318852.2 (MANE Select); coding-DNA position 1380, G replaced by A.
Protein change: p.Arg460=; no amino-acid change (arginine 460 retained).
Molecular consequence: synonymous variant.
Genome position (GRCh38, 1-based): chr16:1,760,455, G>A. VCF-style: chr16-1760455-G-A. GRCh37 (hg19) VCF-style: chr16-1810456-G-A.
Other names: c.1359G>A, p.Arg453= (NM_001040439.2); c.1377G>A, p.Arg459= (NM_015133.5).
Identifiers: ClinVar variation 4084154 (VCV004084154.9).

ClinVar aggregate classification (germline): Likely benign. Review status: criteria provided, multiple submitters, no conflicts (2 of 4 stars). 2 submissions from 2 submitters: Likely benign (2). Last evaluated 2025-12-01.

gnomAD v4.1: 898 of 1,614,026 alleles (0.056%); highest among the groups gnomAD compares: African/African-American, 1.1%; 6 homozygotes.

Submissions (2):

CeGaT Center for Human Genetics Tuebingen
Classification: Likely benign. Last evaluated: 2025-12-01. Review status: criteria provided, single submitter. Criteria: CeGaT Center For Human Genetics Tuebingen Variant Classification Criteria Version 2. Collection method: clinical testing. Allele origin: germline. Affected: yes. Observed: 2 variant alleles.
Comment: MAPK8IP3: BP4, BP7, BS1

Blueprint Genetics
Classification: Likely benign. Last evaluated: 2024-11-14. Review status: criteria provided, single submitter. Criteria: ACMG Guidelines, 2015. Collection method: clinical testing. Allele origin: germline.